The following is an entry in ClinVar:

ClinVar aggregate classification (germline): Uncertain significance (1 of 4 stars; one submission).

Conditions:
Cardiovascular phenotype. Identifiers: MedGen CN230736.

Submission:

Ambry Genetics
Classification: Uncertain significance for Cardiovascular phenotype. Last evaluated: 2025-06-25. Review status: criteria provided, single submitter. Criteria: Ambry Variant Classification Scheme 2023. Collection method: clinical testing. Allele origin: germline.
Comment: The p.V455I variant (also known as c.1363G>A), located in coding exon 11 of the PTPN11 gene, results from a G to A substitution at nucleotide position 1363. The valine at codon 455 is replaced by isoleucine, an amino acid with highly similar properties. This amino acid position is conserved. In addition, this alteration is predicted to be tolerated by in silico analysis. Based on the available evidence, the clinical significance of this variant remains unclear.

NM_002834.5(PTPN11):c.1363G>A (p.Val455Ile)

Gene: PTPN11 (protein tyrosine phosphatase non-receptor type 11; plus strand). Cytogenetic location: 12q24.13.
Variant type: single nucleotide variant.
Coding change: c.1363G>A on transcript NM_002834.5 (MANE Select); coding-DNA position 1363, G replaced by A.
Protein change: p.Val455Ile; replaces valine 455 with isoleucine.
Molecular consequence: missense variant.
Genome position (GRCh38, 1-based): chr12:112,486,613, G>A. VCF-style: chr12-112486613-G-A. GRCh37 (hg19) VCF-style: chr12-112924417-G-A.
Other names: c.1375G>A, p.Val459Ile (NM_001330437.2); c.1360G>A, p.Val454Ile (NM_001374625.1); c.1363G>A, p.Val455Ile (NM_080601.3); short protein forms V459I, V454I, V455I.
Identifiers: ClinVar variation 4147350 (VCV004147350.1).